The following is an entry in ClinVar:

ClinVar aggregate classification (germline): Uncertain significance. Review status: criteria provided, multiple submitters, no conflicts (2 of 4 stars). 4 submissions from 4 submitters: Uncertain significance (3). 1 of the submissions does not count toward it. Last evaluated 2025-01-10.

Conditions:
Inborn genetic diseases. Identifiers: MedGen C0950123, MeSH D030342.
Abetalipoproteinaemia (ABL). Also called: Abetalipoproteinemia; Abetalipoproteinemia neuropathy; Apolipoprotein B deficiency; Congenital betalipoprotein deficiency syndrome; MTP DEFICIENCY. Identifiers: Orphanet 14, MedGen C0000744, MONDO:0008692, OMIM 200100, HP:0008181.

Allele frequency attached by ClinVar (database versions not stated): ExAC 0.00002; gnomAD exomes 0.00002.
gnomAD v4.1: 10 of 1,614,014 alleles (0.00062%); highest among the groups gnomAD compares: South Asian, 0.0099%; no homozygotes.

Submissions (4):

Ambry Genetics
Classification: Uncertain significance for Inborn genetic diseases. Last evaluated: 2025-01-10. Review status: criteria provided, single submitter. Criteria: Ambry Variant Classification Scheme 2023. Collection method: clinical testing. Allele origin: germline.

Labcorp Genetics (formerly Invitae), Labcorp
Classification: Uncertain significance. Last evaluated: 2022-02-20. Review status: criteria provided, single submitter. Criteria: Invitae Variant Classification Sherloc (09022015). Collection method: clinical testing. Allele origin: germline.
Comment: This sequence change replaces glycine, which is neutral and non-polar, with glutamic acid, which is acidic and polar, at codon 682 of the MTTP protein (p.Gly682Glu). This variant is present in population databases (rs751715076, gnomAD 0.01%). This variant has not been reported in the literature in individuals affected with MTTP-related conditions. ClinVar contains an entry for this variant (Variation ID: 968122). Algorithms developed to predict the effect of missense changes on protein structure and function are either unavailable or do not agree on the potential impact of this missense change (SIFT: "Deleterious"; PolyPhen-2: "Probably Damaging"; Align-GVGD: "Class C0"). In summary, the available evidence is currently insufficient to determine the role of this variant in disease. Therefore, it has been classified as a Variant of Uncertain Significance.

Blueprint Genetics
Classification: Uncertain significance. Last evaluated: 2020-03-24. Review status: criteria provided, single submitter. Criteria: ACMG Guidelines, 2015. Collection method: clinical testing. Allele origin: germline.

Natera, Inc.
Classification: Uncertain significance for Abetalipoproteinemia. Last evaluated: 2020-02-21. Review status: no assertion criteria provided. Collection method: clinical testing. Allele origin: germline. Not counted in ClinVar's aggregate classification.

NM_001386140.1(MTTP):c.2045G>A (p.Gly682Glu)

Gene: MTTP (microsomal triglyceride transfer protein; plus strand). Cytogenetic location: 4q23.
Variant type: single nucleotide variant.
Coding change: c.2045G>A on transcript NM_001386140.1 (MANE Select); coding-DNA position 2045, G replaced by A.
Protein change: p.Gly682Glu; replaces glycine 682 with glutamic acid.
Molecular consequence: missense variant.
Genome position (GRCh38, 1-based): chr4:99,612,968, G>A. VCF-style: chr4-99612968-G-A. GRCh37 (hg19) VCF-style: chr4-100534125-G-A.
Other names: c.2045G>A (NM_000253.2); c.2045G>A, p.Gly682Glu (NM_000253.4); c.1796G>A, p.Gly599Glu (NM_001300785.2); short protein forms G682E, G599E.
Identifiers: ClinVar variation 968122 (VCV000968122.6), dbSNP rs751715076, ClinGen allele CA3022284.
Genomic context (GRCh38, chr4:99,612,968, plus strand): 5'-TCCAGGTGGTTATTGAAGCCCAAGGACTGGAAGCCTTAATCGCAGCCACCCCTGACGAGG[G>A]GGAGGAGAACCTTGACTCCTATGCTGGTATGTCAGCCATCCTCTTTGATGTTCAGCTCAG-3'
Protein context (NP_001373069.1, residues 672-692): EALIAATPDE[Gly682Glu]EENLDSYAGM